The following is an entry in ClinVar:

ClinVar aggregate classification (germline): Uncertain significance (1 of 4 stars; one submission).

gnomAD v4.1: 1 of 1,614,284 alleles (0.000062%); highest among the groups gnomAD compares: Admixed American, 0.0017%; no homozygotes.

Submission:

Labcorp Genetics (formerly Invitae), Labcorp
Classification: Uncertain significance. Last evaluated: 2025-05-27. Review status: criteria provided, single submitter. Criteria: Invitae Variant Classification Sherloc (09022015). Collection method: clinical testing. Allele origin: germline.
Comment: This sequence change replaces asparagine, which is neutral and polar, with threonine, which is neutral and polar, at codon 416 of the MOCS3 protein (p.Asn416Thr). This variant is present in population databases (no rsID available, gnomAD 0.003%). This variant has not been reported in the literature in individuals affected with MOCS3-related conditions. ClinVar contains an entry for this variant (Variation ID: 2113938). An algorithm developed to predict the effect of missense changes on protein structure and function (PolyPhen-2) suggests that this variant is likely to be disruptive. In summary, the available evidence is currently insufficient to determine the role of this variant in disease. Therefore, it has been classified as a Variant of Uncertain Significance.

NM_014484.5(MOCS3):c.1247A>C (p.Asn416Thr)

Gene: MOCS3 (molybdenum cofactor synthesis 3; plus strand). Cytogenetic location: 20q13.13.
Variant type: single nucleotide variant.
Coding change: c.1247A>C on transcript NM_014484.5 (MANE Select); coding-DNA position 1247, A replaced by C.
Protein change: p.Asn416Thr; replaces asparagine 416 with threonine.
Molecular consequence: missense variant.
Genome position (GRCh38, 1-based): chr20:50,960,089, A>C. VCF-style: chr20-50960089-A-C. GRCh37 (hg19) VCF-style: chr20-49576626-A-C.
Other names: short protein forms N416T.
Identifiers: ClinVar variation 2113938 (VCV002113938.4), dbSNP rs1012994416, ClinGen allele CA408986716.